The following is an entry in ClinVar:

ClinVar aggregate classification (germline): Uncertain significance. Review status: criteria provided, single submitter (1 of 4 stars). 2 submissions from 2 submitters: Uncertain significance (1). 1 of the submissions does not count toward it. Last evaluated 2021-07-30.

Conditions:
EHHADH-related disorder. Also called: EHHADH-related condition.
Fanconi renotubular syndrome 3 (FRTS3). Identifiers: MedGen C3810100, MONDO:0014275, OMIM 615605.

Allele frequency attached by ClinVar (database versions not stated): ESP Exome Variant Server 0.00015; TOPMed 0.00019; gnomAD 0.00026; 1000 Genomes Project 30x 0.00031; ExAC 0.00035; gnomAD exomes 0.00035; 1000 Genomes Project 0.00040.
gnomAD v4.1: 544 of 1,613,546 alleles (0.034%); highest among the groups gnomAD compares: South Asian, 0.14%; 2 homozygotes.

Submissions (2):

Department of Pathology and Laboratory Medicine, Sinai Health System
Classification: Uncertain significance for Fanconi renotubular syndrome 3. Last evaluated: 2021-07-30. Review status: criteria provided, single submitter. Criteria: ACMG Guidelines, 2015. Collection method: research. Allele origin: germline.

PreventionGenetics, part of Exact Sciences
Classification: Likely benign for EHHADH-related condition. Last evaluated: 2022-06-14. Review status: no assertion criteria provided. Collection method: clinical testing. Allele origin: germline. Not counted in ClinVar's aggregate classification.
Comment: This variant is classified as likely benign based on ACMG/AMP sequence variant interpretation guidelines (Richards et al. 2015 PMID: 25741868, with internal and published modifications).

NM_001966.4(EHHADH):c.1651C>T (p.Arg551Ter)

Gene: EHHADH (enoyl-CoA hydratase and 3-hydroxyacyl CoA dehydrogenase; minus strand). Cytogenetic location: 3q27.2.
Variant type: single nucleotide variant.
Coding change: c.1651C>T on transcript NM_001966.4 (MANE Select); coding-DNA position 1651, C replaced by T.
Protein change: p.Arg551Ter; replaces arginine 551 with a stop codon.
Molecular consequence: nonsense.
Genome position (GRCh38, 1-based): chr3:185,192,747, G>A on the plus strand (C>T on the coding strand, the complement: EHHADH is on the minus strand). VCF-style: chr3-185192747-G-A. GRCh37 (hg19) VCF-style: chr3-184910535-G-A.
Other names: c.1363C>T, p.Arg455Ter (NM_001166415.2); short protein forms R455*, R551*.
Identifiers: ClinVar variation 3044426 (VCV003044426.3), dbSNP rs138388673, ClinGen allele CA2738941.
Genomic context (GRCh38, chr3:185,192,747, plus strand): 5'-ATCGTCCTAATTCACAGAGCACATCAGGAATTGGGCAGTACCTCCTATTACCCCTTTTTC[G>A]GGCAGGAGTTCCTGGAAGCAATGTAGGTCCAGTAAGACCTTGCCCCTTTCTAGATTTCCA-3'